The following is an entry in ClinVar:

NM_018942.3(HMX1):c.703G>A (p.Gly235Ser)

Gene: HMX1 (H6 family homeobox 1; minus strand). Cytogenetic location: 4p16.1.
Variant type: single nucleotide variant.
Coding change: c.703G>A on transcript NM_018942.3 (MANE Select); coding-DNA position 703, G replaced by A.
Protein change: p.Gly235Ser; replaces glycine 235 with serine.
Molecular consequence: missense variant. On other transcripts: intron variant (1).
Genome position (GRCh38, 1-based): chr4:8,868,037, C>T on the plus strand (G>A on the coding strand, the complement: HMX1 is on the minus strand). VCF-style: chr4-8868037-C-T. GRCh37 (hg19) VCF-style: chr4-8869763-C-T.
Other names: c.703G>A (NM_018942.2); c.394+3184G>A (NM_001306142.2); short protein forms G235S.
Identifiers: ClinVar variation 1498948 (VCV001498948.10), dbSNP rs1722074687, ClinGen allele CA356277999.

ClinVar aggregate classification (germline): Uncertain significance. Review status: criteria provided, multiple submitters, no conflicts (2 of 4 stars). 2 submissions from 2 submitters: Uncertain significance (2). Last evaluated 2024-04-20.

Conditions:
Inborn genetic diseases. Identifiers: MedGen C0950123, MeSH D030342.

Allele frequency attached by ClinVar (database versions not stated): TOPMed below 0.00001.
gnomAD v4.1: 1 of 1,533,976 alleles (0.000065%); no homozygotes.

Submissions (2):

Ambry Genetics
Classification: Uncertain significance for Inborn genetic diseases. Last evaluated: 2024-04-20. Review status: criteria provided, single submitter. Criteria: Ambry Variant Classification Scheme 2023. Collection method: clinical testing. Allele origin: germline.

Labcorp Genetics (formerly Invitae), Labcorp
Classification: Uncertain significance. Last evaluated: 2022-07-26. Review status: criteria provided, single submitter. Criteria: Invitae Variant Classification Sherloc (09022015). Collection method: clinical testing. Allele origin: germline.
Comment: This sequence change replaces glycine, which is neutral and non-polar, with serine, which is neutral and polar, at codon 235 of the HMX1 protein (p.Gly235Ser). This variant is not present in population databases (gnomAD no frequency). In summary, the available evidence is currently insufficient to determine the role of this variant in disease. Therefore, it has been classified as a Variant of Uncertain Significance. Algorithms developed to predict the effect of missense changes on protein structure and function are either unavailable or do not agree on the potential impact of this missense change (SIFT: "Deleterious"; PolyPhen-2: "Probably Damaging"; Align-GVGD: "Class C0"). ClinVar contains an entry for this variant (Variation ID: 1498948). This variant has not been reported in the literature in individuals affected with HMX1-related conditions.